The following is an entry in ClinVar:

ClinVar aggregate classification (germline): Uncertain significance (1 of 4 stars; one submission).

Conditions:
Cohen syndrome (COH1). Also called: PEPPER SYNDROME; Cutis verticis gyrata, retinitis pigmentosa, and sensorineural deafness. Identifiers: Orphanet 193, MedGen C0265223, MONDO:0008999, OMIM 216550.

Submission:

Centro Nacional de Genética Medica, Administración Nacional de Laboratorios e Institutos de Salud (ANLIS) “Dr. Carlos G Malbrán”
Classification: Uncertain significance for Cohen syndrome. Last evaluated: 2026-06-15. Review status: criteria provided, single submitter. Criteria: ACMG Guidelines, 2015. Collection method: clinical testing. Allele origin: germline. Affected: yes. Observed: 2 variant alleles.
Comment: This variant corresponds to the deletion of a cytosine at position 11413 and a thymine at position 11414 within the coding sequence of exon 60/62 of the VPS13B gene. This previously unreported variant is predicted to result in a frameshift beginning at leucine residue 3805 and the introduction of a premature termination codon 12 amino acid residues downstream (p.Leu3805Phefs*12). Variants of this type generally result in degradation of the mutant messenger RNA through the nonsense-mediated decay (NMD) pathway (PMID: 36875494; PMID: 31474762), leading to loss of protein production from the affected allele. VPS13B has been curated by ClinGen, which recognizes biallelic loss of function as the established disease mechanism. Most pathogenic VPS13B variants are loss-of-function variants, and studies have demonstrated that they result in markedly reduced or absent mRNA expression, depending on the variant type (PMID: 19006247). Balikova et al. (2011) (PMID: 21353197) reported a patient clinically diagnosed with Cohen syndrome who carried a homozygous 140-kb deletion in VPS13B, while both parents were heterozygous carriers. Rivera-Brugués et al. (2011) (PMID: 20921020) studied 1,523 individuals with intellectual disability and identified three heterozygous VPS13B deletions in three unrelated patients. Subsequent sequencing revealed pathogenic variants on the second allele in each case, consistent with an autosomal recessive diagnosis of Cohen syndrome. Follow-up parental studies identified five unaffected carriers of VPS13B loss-of-function variants, including one parent carrying a deletion encompassing exons 1 through 17. Together, these findings support loss of function as a well-established disease mechanism for VPS13B (PVS1). The identified variant is present at an extremely low frequency in population databases such as gnomAD, ExAC, and the 1000 Genomes Project (allele frequency: 6.195 × 10⁻⁷) (PM2_Supporting). The patient's phenotype is consistent with Cohen syndrome, supporting the association between the identified VPS13B variants and the clinical presentation (PP4).

Literature cited by the submitters: PubMed 36875494; PubMed 31474762; PubMed 19006247; PubMed 21353197; PubMed 20921020.

NM_152564.5(VPS13B):c.8445+3G>C

Gene: VPS13B (vacuolar protein sorting 13 homolog B; plus strand). Cytogenetic location: 8q22.2.
Variant type: single nucleotide variant.
Coding change: c.8445+3G>C on transcript NM_152564.5 (MANE Select); 3 bases into the intron after coding-DNA position 8445, G replaced by C.
Molecular consequence: intron variant.
Genome position (GRCh38, 1-based): chr8:99,818,537, G>C. VCF-style: chr8-99818537-G-C. GRCh37 (hg19) VCF-style: chr8-100830765-G-C.
Other names: c.8520+3G>C (NM_017890.5).
Identifiers: ClinVar variation 4871699 (VCV004871699.1).